The following is an entry in ClinVar:

ClinVar aggregate classification (germline): Uncertain significance. Review status: criteria provided, multiple submitters, no conflicts (2 of 4 stars). 2 submissions from 2 submitters: Uncertain significance (2). Last evaluated 2025-12-13.

Conditions:
OTOG-related disorder. Also called: OTOG-related condition.

Allele frequency attached by ClinVar (database versions not stated): gnomAD exomes below 0.00001; TOPMed below 0.00001.
gnomAD v4.1: 2 of 1,550,794 alleles (0.00013%); highest among the groups gnomAD compares: Non-Finnish European, 0.00017%; no homozygotes.

Submissions (2):

PreventionGenetics, part of Exact Sciences
Classification: Uncertain significance for OTOG-related condition. Last evaluated: 2025-12-13. Review status: criteria provided, single submitter. Criteria: ACMG Guidelines, 2015. Collection method: clinical testing. Allele origin: germline.
Comment: The OTOG c.7089G>C variant is predicted to result in the amino acid substitution p.Trp2363Cys. To our knowledge, this variant has not been reported in the literature or in a large population database (gnomAD), indicating this variant is rare. At this time, the clinical significance of this variant is uncertain due to the absence of conclusive functional and genetic evidence.

Labcorp Genetics (formerly Invitae), Labcorp
Classification: Uncertain significance. Last evaluated: 2023-09-09. Review status: criteria provided, single submitter. Criteria: Invitae Variant Classification Sherloc (09022015). Collection method: clinical testing. Allele origin: germline.
Comment: This sequence change replaces tryptophan, which is neutral and slightly polar, with cysteine, which is neutral and slightly polar, at codon 2363 of the OTOG protein (p.Trp2363Cys). This variant is not present in population databases (gnomAD no frequency). This variant has not been reported in the literature in individuals affected with OTOG-related conditions. An algorithm developed to predict the effect of missense changes on protein structure and function (PolyPhen-2) suggests that this variant is likely to be disruptive. In summary, the available evidence is currently insufficient to determine the role of this variant in disease. Therefore, it has been classified as a Variant of Uncertain Significance.

NM_001292063.2(OTOG):c.7053G>C (p.Trp2351Cys)

Gene: OTOG (otogelin; plus strand). Cytogenetic location: 11p15.1.
Variant type: single nucleotide variant.
Coding change: c.7053G>C on transcript NM_001292063.2 (MANE Select); coding-DNA position 7053, G replaced by C.
Protein change: p.Trp2351Cys; replaces tryptophan 2351 with cysteine.
Molecular consequence: missense variant.
Genome position (GRCh38, 1-based): chr11:17,632,207, G>C. VCF-style: chr11-17632207-G-C. GRCh37 (hg19) VCF-style: chr11-17653754-G-C.
Other names: c.7089G>C, p.Trp2363Cys (NM_001277269.2); c.7089G>C (NM_001277269.1); short protein forms W2363C, W2351C.
Identifiers: ClinVar variation 2985507 (VCV002985507.4), dbSNP rs1854146875, ClinGen allele CA379810850.